The following is an entry in ClinVar:

NM_001211.6(BUB1B):c.963C>G (p.His321Gln)

Gene: BUB1B (BUB1 mitotic checkpoint serine/threonine kinase B; plus strand). Cytogenetic location: 15q15.1.
Variant type: single nucleotide variant.
Coding change: c.963C>G on transcript NM_001211.6 (MANE Select); coding-DNA position 963, C replaced by G.
Protein change: p.His321Gln; replaces histidine 321 with glutamine.
Molecular consequence: missense variant.
Genome position (GRCh38, 1-based): chr15:40,185,376, C>G. VCF-style: chr15-40185376-C-G. GRCh37 (hg19) VCF-style: chr15-40477577-C-G.
Other names: short protein forms H321Q.
Identifiers: ClinVar variation 1767628 (VCV001767628.2), dbSNP rs2542535798, ClinGen allele CA391684910.
Genomic context (GRCh38, chr15:40,185,376, plus strand): 5'-CAGGGCCAAAGAGAATGAGCTGCAAGCAGGCCCTTGGAACACAGGCAGGTCCTTGGAACA[C>G]AGGGTAAGGACTCTTAGATCCAGTGCTTTGCTGACACAACAAAGACTTCACATTTAGGGT-3'
Protein context (NP_001202.5, residues 311-331): GPWNTGRSLE[His321Gln]RPRGNTASLI

ClinVar aggregate classification (germline): Uncertain significance (1 of 4 stars; one submission).

Conditions:
Inborn genetic diseases. Identifiers: MedGen C0950123, MeSH D030342.

Allele frequency attached by ClinVar (database versions not stated): gnomAD exomes below 0.00001.
gnomAD v4.1: 2 of 1,614,036 alleles (0.00012%); highest among the groups gnomAD compares: Non-Finnish European, 0.00017%; no homozygotes.

Submission:

Ambry Genetics
Classification: Uncertain significance for Inborn genetic diseases. Last evaluated: 2022-02-16. Review status: criteria provided, single submitter. Criteria: Ambry Variant Classification Scheme 2023. Collection method: clinical testing. Allele origin: germline.
Comment: The p.H321Q variant (also known as c.963C>G), located in coding exon 7 of the BUB1B gene, results from a C to G substitution at nucleotide position 963. The histidine at codon 321 is replaced by glutamine, an amino acid with highly similar properties. This amino acid position is conserved. In addition, this alteration is predicted to be tolerated by in silico analysis. Since supporting evidence is limited at this time, the clinical significance of this alteration remains unclear.